The following is an entry in ClinVar:

ClinVar aggregate classification (germline): Pathogenic (1 of 4 stars; one submission).

Submission:

Labcorp Genetics (formerly Invitae), Labcorp
Classification: Pathogenic. Last evaluated: 2022-05-08. Review status: criteria provided, single submitter. Criteria: Invitae Variant Classification Sherloc (09022015). Collection method: clinical testing. Allele origin: germline.
Comment: This variant is not present in population databases (gnomAD no frequency). For these reasons, this variant has been classified as Pathogenic. Algorithms developed to predict the effect of sequence changes on RNA splicing suggest that this variant may disrupt the consensus splice site. This premature translational stop signal has been observed in individual(s) with hyperinsulinism (PMID: 32027066). This sequence change creates a premature translational stop signal (p.Arg766Serfs*21) in the ABCC8 gene. It is expected to result in an absent or disrupted protein product. Loss-of-function variants in ABCC8 are known to be pathogenic (PMID: 20685672, 23345197).

Literature cited by the submitters: PubMed 32027066; PubMed 20685672; PubMed 23345197.

NM_000352.6(ABCC8):c.2298_2308del (p.Arg766fs)

Genes: ABCC8 (ATP binding cassette subfamily C member 8; minus strand), LOC110121471 (VISTA enhancer hs1977; plus strand). Cytogenetic location: 11p15.1.
Variant type: Deletion.
Coding change: c.2298_2308del on transcript NM_000352.6 (MANE Select); coding-DNA positions 2298 to 2308, 11 bases deleted (AGGCCCCGTGG).
Protein change: p.Arg766fs; shifts the reading frame from arginine 766.
Molecular consequence: frameshift variant. On other transcripts: non-coding transcript variant (1).
Genome position (GRCh38, 1-based): chr11:17,414,594-17,414,604, CCACGGGGCCT deleted on the plus strand (AGGCCCCGTGG on the coding strand, the reverse complement: ABCC8 is on the minus strand); deleting any 11 consecutive bases within chr11:17,414,594-17,414,605 gives the same sequence; the c. name uses the placement nearest the transcript's 3' end. VCF-style (leftmost placement, unchanged base first): chr11-17414593-GCCACGGGGCCT-G. GRCh37 (hg19) VCF-style: chr11-17436140-GCCACGGGGCCT-G.
Other names: c.2364_2374del, p.Arg788fs (NM_001351295.2); c.2298_2308del, p.Arg766fs (NM_001351296.2); c.2295_2305del, p.Arg765fs (NM_001351297.2); c.2301_2311del, p.Arg767fs (NM_001287174.3); short protein forms R765fs, R767fs, R788fs, R766fs.
Identifiers: ClinVar variation 2135530 (VCV002135530.4), dbSNP rs2496587394, ClinGen allele CA2580082759.